The following is an entry in ClinVar:

ClinVar aggregate classification (germline): Uncertain significance. Review status: criteria provided, multiple submitters, no conflicts (2 of 4 stars). 4 submissions from 4 submitters: Uncertain significance (4). Last evaluated 2025-09-28.

Conditions:
Inborn genetic diseases. Identifiers: MedGen C0950123, MeSH D030342.
SKIC3-related disorder. Also called: SKIC3-related condition.

Allele frequency attached by ClinVar (database versions not stated): gnomAD 0.00009; gnomAD exomes 0.00009; TOPMed 0.00009; ExAC 0.00015; ESP Exome Variant Server 0.00015.
gnomAD v4.1: 96 of 1,613,876 alleles (0.0059%); highest among the groups gnomAD compares: Middle Eastern, 0.016%; no homozygotes.

Submissions (4):

PreventionGenetics, part of Exact Sciences
Classification: Uncertain significance for SKIC3-related condition. Last evaluated: 2025-09-28. Review status: criteria provided, single submitter. Criteria: ACMG Guidelines, 2015. Collection method: clinical testing. Allele origin: germline.
Comment: The SKIC3 c.436C>T variant is predicted to result in the amino acid substitution p.Arg146Trp. To our knowledge, this variant has not been reported in the literature. This variant is reported in 0.018% of alleles in individuals of European (Non-Finnish) descent in gnomAD. At this time, the clinical significance of this variant is uncertain due to the absence of conclusive functional and genetic evidence.

Ambry Genetics
Classification: Uncertain significance for Inborn genetic diseases. Last evaluated: 2024-12-10. Review status: criteria provided, single submitter. Criteria: Ambry Variant Classification Scheme 2023. Collection method: clinical testing. Allele origin: germline.

Blueprint Genetics
Classification: Uncertain significance. Last evaluated: 2024-11-13. Review status: criteria provided, single submitter. Criteria: ACMG Guidelines, 2015. Collection method: clinical testing. Allele origin: germline.

Labcorp Genetics (formerly Invitae), Labcorp
Classification: Uncertain significance. Last evaluated: 2022-10-24. Review status: criteria provided, single submitter. Criteria: Invitae Variant Classification Sherloc (09022015). Collection method: clinical testing. Allele origin: germline.
Comment: This sequence change replaces arginine, which is basic and polar, with tryptophan, which is neutral and slightly polar, at codon 146 of the TTC37 protein (p.Arg146Trp). This variant is present in population databases (rs368205526, gnomAD 0.02%). This variant has not been reported in the literature in individuals affected with TTC37-related conditions. ClinVar contains an entry for this variant (Variation ID: 1018022). Algorithms developed to predict the effect of missense changes on protein structure and function are either unavailable or do not agree on the potential impact of this missense change (SIFT: "Deleterious"; PolyPhen-2: "Probably Damaging"; Align-GVGD: "Class C0"). In summary, the available evidence is currently insufficient to determine the role of this variant in disease. Therefore, it has been classified as a Variant of Uncertain Significance.

NM_014639.4(SKIC3):c.436C>T (p.Arg146Trp)

Gene: SKIC3 (SKI3 subunit of superkiller complex; minus strand). Cytogenetic location: 5q15.
Variant type: single nucleotide variant.
Coding change: c.436C>T on transcript NM_014639.4 (MANE Select); coding-DNA position 436, C replaced by T.
Protein change: p.Arg146Trp; replaces arginine 146 with tryptophan.
Molecular consequence: missense variant.
Genome position (GRCh38, 1-based): chr5:95,540,797, G>A on the plus strand (C>T on the coding strand, the complement: SKIC3 is on the minus strand). VCF-style: chr5-95540797-G-A. GRCh37 (hg19) VCF-style: chr5-94876501-G-A.
Other names: c.436C>T (NM_014639.3); short protein forms R146W.
Identifiers: ClinVar variation 1018022 (VCV001018022.5), dbSNP rs368205526, ClinGen allele CA3347601.
Genomic context (GRCh38, chr5:95,540,797, plus strand): 5'-ACTGAGTCAATTTTCTCCATAGTTGATGAAGCTCTTCATTTTCTGCACCTTGTTCCTGCC[G>A]TGTTTTTATCAACTTGTGCCATGTTCGAGCCACCTATTAAAGAAGGAGATTTTAAATTAT-3'
Protein context (NP_055454.1, residues 136-156): ARTWHKLIKT[Arg146Trp]QEQGAENEEL